The following is an entry in ClinVar:

NM_004415.4(DSP):c.5698G>A (p.Glu1900Lys)

Gene: DSP (desmoplakin; plus strand). Cytogenetic location: 6p24.3.
Variant type: single nucleotide variant.
Coding change: c.5698G>A on transcript NM_004415.4 (MANE Select); coding-DNA position 5698, G replaced by A.
Protein change: p.Glu1900Lys; replaces glutamic acid 1900 with lysine.
Molecular consequence: missense variant.
Genome position (GRCh38, 1-based): chr6:7,582,960, G>A. VCF-style: chr6-7582960-G-A. GRCh37 (hg19) VCF-style: chr6-7583193-G-A.
Other names: c.5698G>A (LRG_423t1); c.3901G>A, p.Glu1301Lys (NM_001008844.3); c.4369G>A, p.Glu1457Lys (NM_001319034.2); short protein forms E1900K, E1301K, E1457K.
Identifiers: ClinVar variation 578857 (VCV000578857.9), dbSNP rs751447598, ClinGen allele CA045575.

ClinVar aggregate classification (germline): Conflicting classifications of pathogenicity. Review status: criteria provided, conflicting classifications (1 of 4 stars). 3 submissions from 3 submitters: Uncertain significance (2); Likely benign (1). Last evaluated 2025-08-17.

Conditions:
Cardiomyopathy (CMYO). Also called: Cardiomyopathies. Identifiers: Orphanet 167848, MedGen C0878544, MONDO:0004994, HP:0001638. Inheritance: Various modes of inheritance.
Cardiovascular phenotype. Identifiers: MedGen CN230736.
Arrhythmogenic cardiomyopathy with wooly hair and keratoderma. Also called: Dilated cardiomyopathy with woolly hair and keratoderma; Arrhythmogenic cardiomyopathy with woolly hair and keratoderma; Carvajal syndrome; PALMOPLANTAR KERATODERMA WITH LEFT VENTRICULAR CARDIOMYOPATHY AND WOOLLY HAIR. Identifiers: Orphanet 65282, MedGen C1854063, MONDO:0011581, OMIM 605676.
Arrhythmogenic right ventricular dysplasia 8 (ARVD8). Also called: ARRHYTHMOGENIC RIGHT VENTRICULAR DYSPLASIA, FAMILIAL, 8; ARRHYTHMOGENIC RIGHT VENTRICULAR CARDIOMYOPATHY 8; Arrhythmogenic Right Ventricular Dysplasia/Cardiomyopathy 8. Identifiers: MedGen C1843896, MONDO:0011831, OMIM 607450.

Allele frequency attached by ClinVar (database versions not stated): gnomAD exomes 0.00001; ExAC 0.00002.

Submissions (3):

Color Diagnostics, LLC DBA Color Health
Classification: Uncertain significance for Cardiomyopathy. Last evaluated: 2025-08-17. Review status: criteria provided, single submitter. Criteria: ACMG Guidelines, 2015. Collection method: clinical testing. Allele origin: germline.
Comment: This missense variant replaces glutamic acid with lysine at codon 1900 of the DSP protein. Computational prediction suggests that this variant may not impact protein structure and function. To our knowledge, functional studies have not been reported for this variant. This variant has not been reported in individuals affected with DSP-related disorders in the literature. This variant has been identified in 3/251150 chromosomes in the general population by the Genome Aggregation Database (gnomAD). The available evidence is insufficient to determine the role of this variant in disease conclusively. Therefore, this variant is classified as a Variant of Uncertain Significance.

Ambry Genetics
Classification: Uncertain significance for Cardiovascular phenotype. Last evaluated: 2025-05-28. Review status: criteria provided, single submitter. Criteria: Ambry Variant Classification Scheme 2023. Collection method: clinical testing. Allele origin: germline.

Labcorp Genetics (formerly Invitae), Labcorp
Classification: Likely benign for Arrhythmogenic cardiomyopathy with wooly hair and keratoderma; Arrhythmogenic right ventricular dysplasia 8. Last evaluated: 2024-10-23. Review status: criteria provided, single submitter. Criteria: Invitae Variant Classification Sherloc (09022015). Collection method: clinical testing. Allele origin: germline.